The following is an entry in ClinVar:

ClinVar aggregate classification (germline): Uncertain significance (1 of 4 stars; one submission).

Conditions:
Foveal hypoplasia - optic nerve decussation defect - anterior segment dysgenesis syndrome. Also called: FOVEAL HYPOPLASIA 2 WITH OR WITHOUT OPTIC NERVE MISROUTING AND/OR ANTERIOR SEGMENT DYSGENESIS; FOVEAL HYPOPLASIA 2 WITH OR WITHOUT MICROPHTHALMIA OR COLOBOMA; Foveal hypoplasia 2; FOVEAL HYPOPLASIA 2 WITH OPTIC NERVE DECUSSATION DEFECTS AND ANTERIOR SEGMENT DYSGENESIS WITHOUT ALBINISM. Identifiers: Orphanet 397618, MedGen C3807873, MONDO:0012216, OMIM 609218.

gnomAD v4.1: 3 of 1,614,104 alleles (0.00019%); highest among the groups gnomAD compares: Admixed American, 0.0017%; no homozygotes.

Submission:

Department of Human Genetics, Hannover Medical School
Classification: Uncertain significance for Foveal hypoplasia - optic nerve decussation defect - anterior segment dysgenesis syndrome. Last evaluated: 2024-10-10. Review status: criteria provided, single submitter. Criteria: ACMG Guidelines, 2015. Collection method: clinical testing. Allele origin: germline. Affected: yes.
Comment: ACMG: PM2_Supporting

NM_001080442.3(SLC38A8):c.1255G>T (p.Gly419Cys)

Gene: SLC38A8 (solute carrier family 38 member 8; minus strand). Cytogenetic location: 16q23.3.
Variant type: single nucleotide variant.
Coding change: c.1255G>T on transcript NM_001080442.3 (MANE Select); coding-DNA position 1255, G replaced by T.
Protein change: p.Gly419Cys; replaces glycine 419 with cysteine.
Molecular consequence: missense variant.
Genome position (GRCh38, 1-based): chr16:84,009,837, C>A on the plus strand (G>T on the coding strand, the complement: SLC38A8 is on the minus strand). VCF-style: chr16-84009837-C-A. GRCh37 (hg19) VCF-style: chr16-84043442-C-A.
Other names: short protein forms G419C.
Identifiers: ClinVar variation 3362239 (VCV003362239.1).
Genomic context (GRCh38, chr16:84,009,837, plus strand): 5'-CTGCCCATCAGAACATCTCCCAGACCGCTGCCGCCGTGCTCTGCCCAAAGATGAAGGTGC[C>A]GACCAGCACAGAGACCACTCCCCAGACCTCCAGGCAGCACCTGCCAAGTGAATAAACCCA-3'
Protein context (NP_001073911.1, residues 409-429): EVWGVVSVLV[Gly419Cys]TFIFGQSTAA